The following is an entry in ClinVar:

ClinVar aggregate classification (germline): Likely benign (1 of 4 stars; one submission).

Allele frequency attached by ClinVar (database versions not stated): ESP Exome Variant Server 0.00015; gnomAD 0.00025 and 0.00026; TOPMed 0.00026; gnomAD exomes 0.00028 and 0.00035; ExAC 0.00029.
gnomAD v4.1: 464 of 1,614,086 alleles (0.029%); highest among the groups gnomAD compares: Middle Eastern, 0.12%; 1 homozygote.

Submission:

CeGaT Center for Human Genetics Tuebingen
Classification: Likely benign. Last evaluated: 2025-11-01. Review status: criteria provided, single submitter. Criteria: CeGaT Center For Human Genetics Tuebingen Variant Classification Criteria Version 2. Collection method: clinical testing. Allele origin: germline. Affected: yes. Observed: 4 variant alleles.
Comment: CHD3: BS2

NM_001005273.3(CHD3):c.4564A>G (p.Ser1522Gly)

Gene: CHD3 (chromodomain helicase DNA binding protein 3; plus strand). Cytogenetic location: 17p13.1.
Variant type: single nucleotide variant.
Coding change: c.4564A>G on transcript NM_001005273.3 (MANE Select); coding-DNA position 4564, A replaced by G.
Protein change: p.Ser1522Gly; replaces serine 1522 with glycine.
Molecular consequence: missense variant.
Genome position (GRCh38, 1-based): chr17:7,906,929, A>G. VCF-style: chr17-7906929-A-G. GRCh37 (hg19) VCF-style: chr17-7810247-A-G.
Other names: c.4741A>G, p.Ser1581Gly (NM_001005271.3); c.4564A>G, p.Ser1522Gly (NM_005852.4); short protein forms S1522G, S1581G.
Identifiers: ClinVar variation 1701308 (VCV001701308.31), dbSNP rs202059923, ClinGen allele CA8363403.